The following is an entry in ClinVar:

ClinVar aggregate classification (germline): Uncertain significance (1 of 4 stars; one submission).

Conditions:
Centromeric instability of chromosomes 1,9 and 16 and immunodeficiency (ICF1). Also called: Immunodeficiency-centromeric instability-facial anomalies; IMMUNE DEFICIENCY, VARIABLE, WITH CENTROMERIC INSTABILITY OF CHROMOSOMES 1, 9, AND 16; IMMUNODEFICIENCY SYNDROME, VARIABLE; CENTROMERIC INSTABILITY, IMMUNODEFICIENCY SYNDROME. Identifiers: Orphanet 2268, MedGen C0398788, MONDO:0000133.

Allele frequency attached by ClinVar (database versions not stated): gnomAD exomes below 0.00001; ExAC 0.00001; TOPMed 0.00002; gnomAD 0.00003.
gnomAD v4.1: 15 of 1,613,790 alleles (0.00093%); highest among the groups gnomAD compares: African/African-American, 0.013%; no homozygotes.

Submission:

Labcorp Genetics (formerly Invitae), Labcorp
Classification: Uncertain significance for Centromeric instability of chromosomes 1,9 and 16 and immunodeficiency. Last evaluated: 2024-09-30. Review status: criteria provided, single submitter. Criteria: Invitae Variant Classification Sherloc (09022015). Collection method: clinical testing. Allele origin: germline.
Comment: This sequence change replaces serine, which is neutral and polar, with leucine, which is neutral and non-polar, at codon 215 of the DNMT3B protein (p.Ser215Leu). This variant is present in population databases (rs760734960, gnomAD 0.007%). This variant has not been reported in the literature in individuals affected with DNMT3B-related conditions. ClinVar contains an entry for this variant (Variation ID: 1912976). Invitae Evidence Modeling of protein sequence and biophysical properties (such as structural, functional, and spatial information, amino acid conservation, physicochemical variation, residue mobility, and thermodynamic stability) indicates that this missense variant is not expected to disrupt DNMT3B protein function with a negative predictive value of 80%. In summary, the available evidence is currently insufficient to determine the role of this variant in disease. Therefore, it has been classified as a Variant of Uncertain Significance.

NM_006892.4(DNMT3B):c.644C>T (p.Ser215Leu)

Gene: DNMT3B (DNA methyltransferase 3 beta; plus strand). Cytogenetic location: 20q11.21.
Variant type: single nucleotide variant.
Coding change: c.644C>T on transcript NM_006892.4 (MANE Select); coding-DNA position 644, C replaced by T.
Protein change: p.Ser215Leu; replaces serine 215 with leucine.
Molecular consequence: missense variant.
Genome position (GRCh38, 1-based): chr20:32,787,441, C>T. VCF-style: chr20-32787441-C-T. GRCh37 (hg19) VCF-style: chr20-31375247-C-T.
Other names: c.518C>T, p.Ser173Leu (NM_001207055.2); c.416C>T, p.Ser139Leu (NM_001207056.2); c.644C>T, p.Ser215Leu (NM_175848.2, NM_175849.2); c.680C>T, p.Ser227Leu (NM_175850.3); short protein forms S173L, S227L, S139L, S215L.
Identifiers: ClinVar variation 1912976 (VCV001912976.4), dbSNP rs760734960, ClinGen allele CA9810272.
Genomic context (GRCh38, chr20:32,787,441, plus strand): 5'-GCCAGCAGGGGGGCATGGAGTCCCCGCAGGTGGAGGCAGACAGTGGAGATGGAGACAGTT[C>T]AGAGTATCAGGTATGGCCGAGAGGGGCTCCTGCCCAGGGTGACTGAGGACCCTGAACACG-3'
Protein context (NP_008823.1, residues 205-225): VEADSGDGDS[Ser215Leu]EYQDGKEFGI